The following is an entry in ClinVar:

ClinVar aggregate classification (germline): Uncertain significance (1 of 4 stars; one submission).

gnomAD v4.1: 2 of 1,613,774 alleles (0.00012%); highest among the groups gnomAD compares: Admixed American, 0.0017%; no homozygotes.

Submission:

Labcorp Genetics (formerly Invitae), Labcorp
Classification: Uncertain significance. Last evaluated: 2025-04-11. Review status: criteria provided, single submitter. Criteria: Invitae Variant Classification Sherloc (09022015). Collection method: clinical testing. Allele origin: germline.
Comment: This sequence change replaces lysine, which is basic and polar, with arginine, which is basic and polar, at codon 839 of the MSH3 protein (p.Lys839Arg). This variant is not present in population databases (gnomAD no frequency). This variant has not been reported in the literature in individuals affected with MSH3-related conditions. An algorithm developed to predict the effect of missense changes on protein structure and function (PolyPhen-2) suggests that this variant is likely to be disruptive. In summary, the available evidence is currently insufficient to determine the role of this variant in disease. Therefore, it has been classified as a Variant of Uncertain Significance.

NM_002439.5(MSH3):c.2516A>G (p.Lys839Arg)

Gene: MSH3 (mutS homolog 3; plus strand). Cytogenetic location: 5q14.1.
Variant type: single nucleotide variant.
Coding change: c.2516A>G on transcript NM_002439.5 (MANE Select); coding-DNA position 2516, A replaced by G.
Protein change: p.Lys839Arg; replaces lysine 839 with arginine.
Molecular consequence: missense variant.
Genome position (GRCh38, 1-based): chr5:80,787,645, A>G. VCF-style: chr5-80787645-A-G. GRCh37 (hg19) VCF-style: chr5-80083464-A-G.
Other names: short protein forms K839R.
Identifiers: ClinVar variation 4779365 (VCV004779365.1).